The following is an entry in ClinVar:

NM_001145809.2(MYH14):c.5868C>T (p.Ala1956=)

Gene: MYH14 (myosin heavy chain 14; plus strand). Cytogenetic location: 19q13.33.
Variant type: single nucleotide variant.
Coding change: c.5868C>T on transcript NM_001145809.2 (MANE Select); coding-DNA position 5868, C replaced by T.
Protein change: p.Ala1956=; no amino-acid change (alanine 1956 retained).
Molecular consequence: synonymous variant.
Genome position (GRCh38, 1-based): chr19:50,309,085, C>T. VCF-style: chr19-50309085-C-T. GRCh37 (hg19) VCF-style: chr19-50812342-C-T.
Other names: p.Ala1915=; c.5769C>T, p.Ala1923= (NM_001077186.2); c.5745C>T, p.Ala1915= (NM_024729.4).
Identifiers: ClinVar variation 44076 (VCV000044076.56), dbSNP rs190695624, ClinGen allele CA133510.

ClinVar aggregate classification (germline): Benign. Review status: criteria provided, multiple submitters, no conflicts (2 of 4 stars). 9 submissions from 9 submitters: Benign (9). Last evaluated 2026-06-01.

Conditions:
Autosomal dominant nonsyndromic hearing loss 4A. Also called: Deafness, autosomal dominant 4A. Identifiers: Orphanet 90635, MedGen C1833503, MONDO:0010915, OMIM 600652.

Allele frequency attached by ClinVar (database versions not stated): 1000 Genomes Project 30x 0.00281; 1000 Genomes Project 0.00319; TOPMed 0.00554; gnomAD 0.00692 and 0.00710; ESP Exome Variant Server 0.00726; gnomAD exomes 0.00782; ExAC 0.00797.
gnomAD v4.1: 14,398 of 1,613,836 alleles (0.89%); highest among the groups gnomAD compares: Non-Finnish European, 1%; 87 homozygotes.

Submissions (9):

CeGaT Center for Human Genetics Tuebingen
Classification: Benign. Last evaluated: 2026-06-01. Review status: criteria provided, single submitter. Criteria: CeGaT Center For Human Genetics Tuebingen Variant Classification Criteria Version 2. Collection method: clinical testing. Allele origin: germline. Affected: yes. Observed: 29 variant alleles.
Comment: MYH14: BP4, BP7, BS1, BS2

Labcorp Genetics (formerly Invitae), Labcorp
Classification: Benign. Last evaluated: 2026-02-01. Review status: criteria provided, single submitter. Criteria: Invitae Variant Classification Sherloc (09022015). Collection method: clinical testing. Allele origin: germline.

ARUP Laboratories, Molecular Genetics and Genomics, ARUP Laboratories
Classification: Benign. Last evaluated: 2023-11-22. Review status: criteria provided, single submitter. Criteria: ARUP Molecular Germline Variant Investigation Process 2024. Collection method: clinical testing. Allele origin: germline.

Mayo Clinic Laboratories, Mayo Clinic
Classification: Benign. Last evaluated: 2020-11-04. Review status: criteria provided, single submitter. Criteria: ACMG Guidelines, 2015. Collection method: clinical testing. Allele origin: germline. Observed: 28 variant alleles.

Illumina Laboratory Services, Illumina
Classification: Benign for Autosomal dominant nonsyndromic hearing loss 4A. Last evaluated: 2018-01-13. Review status: criteria provided, single submitter. Criteria: ICSL Variant Classification Criteria 13 December 2019. Collection method: clinical testing. Allele origin: germline.
Comment: This variant was observed in the ICSL laboratory as part of a predisposition screen in an ostensibly healthy population. It had not been previously curated by ICSL or reported in the Human Gene Mutation Database (HGMD: prior to June 1st, 2018), and was therefore a candidate for classification through an automated scoring system. Utilizing variant allele frequency, disease prevalence and penetrance estimates, and inheritance mode, an automated score was calculated to assess if this variant is too frequent to cause the disease. Based on the score and internal cut-off values, a variant classified as benign is not then subjected to further curation. The score for this variant resulted in a classification of benign for this disease.

GeneDx
Classification: Benign. Last evaluated: 2017-11-16. Review status: criteria provided, single submitter. Criteria: GeneDx Variant Classification (06012015). Collection method: clinical testing. Allele origin: germline. Affected: yes.
Comment: This variant is considered likely benign or benign based on one or more of the following criteria: it is a conservative change, it occurs at a poorly conserved position in the protein, it is predicted to be benign by multiple in silico algorithms, and/or has population frequency not consistent with disease.

Laboratory for Molecular Medicine, Mass General Brigham Personalized Medicine
Classification: Benign. Last evaluated: 2012-04-30. Review status: criteria provided, single submitter. Criteria: LMM Criteria. Collection method: clinical testing. Allele origin: germline. Observed: 16 variant alleles.
Comment: Ala1956Ala in Exon 42 of MYH14: This variant is not expected to have clinical si gnificance because it does not alter an amino acid residue, is not located withi n the splice consensus sequence, and has been identified in 1.0% (68/6808) of Eu ropean American chromosomes from a broad population by the NHLBI Exome Sequencin g Project.

Breakthrough Genomics
Classification: Benign. Review status: criteria provided, single submitter. Criteria: ACMG Guidelines, 2015. Collection method: not provided. Allele origin: germline. Inheritance: Autosomal dominant inheritance. Affected: yes.

PreventionGenetics, part of Exact Sciences
Classification: Benign. Review status: criteria provided, single submitter. Criteria: ACMG Guidelines, 2015. Collection method: clinical testing. Allele origin: germline.